The following is an entry in ClinVar:

NM_144639.3(UROC1):c.1285C>T (p.Arg429Cys)

Gene: UROC1 (urocanate hydratase 1; minus strand). Cytogenetic location: 3q21.3.
Variant type: single nucleotide variant.
Coding change: c.1285C>T on transcript NM_144639.3 (MANE Select); coding-DNA position 1285, C replaced by T.
Protein change: p.Arg429Cys; replaces arginine 429 with cysteine.
Molecular consequence: missense variant.
Genome position (GRCh38, 1-based): chr3:126,499,368, G>A on the plus strand (C>T on the coding strand, the complement: UROC1 is on the minus strand). VCF-style: chr3-126499368-G-A. GRCh37 (hg19) VCF-style: chr3-126218211-G-A.
Other names: c.1465C>T, p.Arg489Cys (NM_001165974.2); short protein forms R429C, R489C.
Identifiers: ClinVar variation 791949 (VCV000791949.8), dbSNP rs9871671, ClinGen allele CA2591100.

ClinVar aggregate classification (germline): Benign. Review status: criteria provided, multiple submitters, no conflicts (2 of 4 stars). 4 submissions from 4 submitters: Benign (3). 1 of the submissions does not count toward it. Last evaluated 2020-04-30.

Conditions:
UROC1-related disorder. Also called: UROC1-related condition.

Allele frequency attached by ClinVar (database versions not stated): ExAC 0.00865; gnomAD 0.02297 and 0.02441; TOPMed 0.02592; 1000 Genomes Project 0.02696; ESP Exome Variant Server 0.02799; 1000 Genomes Project 30x 0.02811.
gnomAD v4.1: 7,681 of 1,612,280 alleles (0.48%); highest among the groups gnomAD compares: African/African-American, 8.1%; 268 homozygotes.

Submissions (4):

GeneDx
Classification: Benign. Last evaluated: 2020-04-30. Review status: criteria provided, single submitter. Criteria: GeneDx Variant Classification Process June 2021. Collection method: clinical testing. Allele origin: germline. Affected: yes.
Comment: This variant is associated with the following publications: (PMID: 31667592)

Labcorp Genetics (formerly Invitae), Labcorp
Classification: Benign. Last evaluated: 2019-12-31. Review status: criteria provided, single submitter. Criteria: Invitae Variant Classification Sherloc (09022015). Collection method: clinical testing. Allele origin: germline.

Breakthrough Genomics
Classification: Benign. Review status: criteria provided, single submitter. Criteria: ACMG Guidelines, 2015. Collection method: not provided. Allele origin: germline. Inheritance: Autosomal recessive inheritance. Affected: yes.

PreventionGenetics, part of Exact Sciences
Classification: Benign for UROC1-related condition. Last evaluated: 2019-04-09. Review status: no assertion criteria provided. Collection method: clinical testing. Allele origin: germline. Not counted in ClinVar's aggregate classification.
Comment: This variant is classified as benign based on ACMG/AMP sequence variant interpretation guidelines (Richards et al. 2015 PMID: 25741868, with internal and published modifications).